The following is an entry in ClinVar:

ClinVar aggregate classification (germline): Uncertain significance. Review status: criteria provided, multiple submitters, no conflicts (2 of 4 stars). 3 submissions from 3 submitters: Uncertain significance (3). Last evaluated 2024-01-28.

Conditions:
Aortic aneurysm, familial thoracic 8 (AAT8). Identifiers: MedGen C3809513, MONDO:0014187, OMIM 615436.
Familial thoracic aortic aneurysm and aortic dissection (TAAD). Also called: Thoracic aortic aneurysms and dissections. Identifiers: Orphanet 91387, MedGen C4707243, MONDO:0019625.

Submissions (3):

Labcorp Genetics (formerly Invitae), Labcorp
Classification: Uncertain significance for Aortic aneurysm, familial thoracic 8. Last evaluated: 2024-01-28. Review status: criteria provided, single submitter. Criteria: Invitae Variant Classification Sherloc (09022015). Collection method: clinical testing. Allele origin: germline.
Comment: This sequence change replaces valine, which is neutral and non-polar, with glycine, which is neutral and non-polar, at codon 294 of the PRKG1 protein (p.Val294Gly). This variant is present in population databases (rs757416473, gnomAD 0.003%). This variant has not been reported in the literature in individuals affected with PRKG1-related conditions. ClinVar contains an entry for this variant (Variation ID: 1764780). An algorithm developed to predict the effect of missense changes on protein structure and function (PolyPhen-2) suggests that this variant is likely to be tolerated. In summary, the available evidence is currently insufficient to determine the role of this variant in disease. Therefore, it has been classified as a Variant of Uncertain Significance.

Ambry Genetics
Classification: Uncertain significance for Familial thoracic aortic aneurysm and aortic dissection. Last evaluated: 2022-10-07. Review status: criteria provided, single submitter. Criteria: Ambry Variant Classification Scheme 2023. Collection method: clinical testing. Allele origin: germline.
Comment: The p.V294G variant (also known as c.881T>G), located in coding exon 7 of the PRKG1 gene, results from a T to G substitution at nucleotide position 881. The valine at codon 294 is replaced by glycine, an amino acid with dissimilar properties. This amino acid position is conserved. In addition, this alteration is predicted to be tolerated by in silico analysis. Since supporting evidence is limited at this time, the clinical significance of this alteration remains unclear.

Blueprint Genetics
Classification: Uncertain significance. Last evaluated: 2021-09-08. Review status: criteria provided, single submitter. Criteria: ACMG Guidelines, 2015. Collection method: clinical testing. Allele origin: germline.

NM_006258.4(PRKG1):c.881T>G (p.Val294Gly)

Gene: PRKG1 (protein kinase cGMP-dependent 1; plus strand). Cytogenetic location: 10q21.1.
Variant type: single nucleotide variant.
Coding change: c.881T>G on transcript NM_006258.4 (MANE Select); coding-DNA position 881, T replaced by G.
Protein change: p.Val294Gly; replaces valine 294 with glycine.
Molecular consequence: missense variant. On other transcripts: 5 prime UTR variant (1).
Genome position (GRCh38, 1-based): chr10:52,062,577, T>G. VCF-style: chr10-52062577-T-G. GRCh37 (hg19) VCF-style: chr10-53822337-T-G.
Other names: c.836T>G, p.Val279Gly (NM_001098512.3); c.-329T>G (NM_001374781.1); c.881T>G, p.Val294Gly (NM_001374782.1); short protein forms V294G, V279G.
Identifiers: ClinVar variation 1764780 (VCV001764780.6), dbSNP rs757416473, ClinGen allele CA5503654.